The following is an entry in ClinVar:

ClinVar aggregate classification (germline): Uncertain significance. Review status: criteria provided, multiple submitters, no conflicts (2 of 4 stars). 4 submissions from 4 submitters: Uncertain significance (4). Last evaluated 2024-10-09.

Conditions:
Sclerosteosis 2 (SOST2). Identifiers: Orphanet 3152, MedGen C3280402, MONDO:0013679, OMIM 614305.
Congenital myasthenic syndrome 17. Identifiers: Orphanet 590, MedGen C4225377, MONDO:0014578, OMIM 616304.
Cenani-Lenz syndactyly syndrome. Also called: CENANI SYNDACTYLISM; SYNDACTYLY, TYPE VII. Identifiers: Orphanet 3258, MedGen C1859309, MONDO:0008931, OMIM 212780.
Inborn genetic diseases. Identifiers: MedGen C0950123, MeSH D030342.

Allele frequency attached by ClinVar (database versions not stated): gnomAD 0.00014 and 0.00016; TOPMed 0.00014; ExAC 0.00015; ESP Exome Variant Server 0.00015; 1000 Genomes Project 30x 0.00016; gnomAD exomes 0.00016 and 0.00020; 1000 Genomes Project 0.00020.
gnomAD v4.1: 326 of 1,608,836 alleles (0.02%); highest among the groups gnomAD compares: Non-Finnish European, 0.023%; no homozygotes.

Submissions (4):

Ambry Genetics
Classification: Uncertain significance for Inborn genetic diseases. Last evaluated: 2024-10-09. Review status: criteria provided, single submitter. Criteria: Ambry Variant Classification Scheme 2023. Collection method: clinical testing. Allele origin: germline.

Blueprint Genetics
Classification: Uncertain significance. Last evaluated: 2024-09-14. Review status: criteria provided, single submitter. Criteria: ACMG Guidelines, 2015. Collection method: clinical testing. Allele origin: germline.

Fulgent Genetics
Classification: Uncertain significance for Cenani-Lenz syndactyly syndrome; Sclerosteosis 2; Congenital myasthenic syndrome 17. Last evaluated: 2024-04-19. Review status: criteria provided, single submitter. Criteria: ACMG Guidelines, 2015. Collection method: clinical testing. Allele origin: germline.

Labcorp Genetics (formerly Invitae), Labcorp
Classification: Uncertain significance for Cenani-Lenz syndactyly syndrome; Sclerosteosis 2; Congenital myasthenic syndrome 17. Last evaluated: 2022-09-07. Review status: criteria provided, single submitter. Criteria: Invitae Variant Classification Sherloc (09022015). Collection method: clinical testing. Allele origin: germline.
Comment: This sequence change replaces valine, which is neutral and non-polar, with leucine, which is neutral and non-polar, at codon 1532 of the LRP4 protein (p.Val1532Leu). This variant is present in population databases (rs147609642, gnomAD 0.07%). This variant has not been reported in the literature in individuals affected with LRP4-related conditions. ClinVar contains an entry for this variant (Variation ID: 856623). Algorithms developed to predict the effect of missense changes on protein structure and function are either unavailable or do not agree on the potential impact of this missense change (SIFT: "Deleterious"; PolyPhen-2: "Benign"; Align-GVGD: "Class C25"). In summary, the available evidence is currently insufficient to determine the role of this variant in disease. Therefore, it has been classified as a Variant of Uncertain Significance.

NM_002334.4(LRP4):c.4594G>C (p.Val1532Leu)

Genes: LRP4 (LDL receptor related protein 4; minus strand), LRP4-AS1 (LRP4 antisense RNA 1; plus strand). Cytogenetic location: 11p11.2.
Variant type: single nucleotide variant.
Coding change: c.4594G>C on transcript NM_002334.4 (MANE Select); coding-DNA position 4594, G replaced by C.
Protein change: p.Val1532Leu; replaces valine 1532 with leucine.
Molecular consequence: missense variant.
Genome position (GRCh38, 1-based): chr11:46,871,623, C>G on the plus strand (G>C on the coding strand, the complement: LRP4 is on the minus strand). VCF-style: chr11-46871623-C-G. GRCh37 (hg19) VCF-style: chr11-46893174-C-G.
Other names: short protein forms V1532L.
Identifiers: ClinVar variation 856623 (VCV000856623.8), dbSNP rs147609642, ClinGen allele CA5969282.